The following is an entry in ClinVar:

ClinVar aggregate classification (germline): Uncertain significance (1 of 4 stars; one submission).

gnomAD v4.1: 1 of 1,613,238 alleles (0.000062%); highest among the groups gnomAD compares: Non-Finnish European, 0.000085%; no homozygotes.

Submission:

GeneDx
Classification: Uncertain significance. Last evaluated: 2026-01-21. Review status: criteria provided, single submitter. Criteria: GeneDx Variant Classification Process June 2021. Collection method: clinical testing. Allele origin: germline.
Comment: Not observed at significant frequency in large population cohorts (gnomAD); In silico analysis supports that this missense variant has a deleterious effect on protein structure/function; Has not been previously published as pathogenic or benign to our knowledge

NM_006922.4(SCN3A):c.997G>C (p.Asp333His)

Gene: SCN3A (sodium voltage-gated channel alpha subunit 3; minus strand). Cytogenetic location: 2q24.3.
Variant type: single nucleotide variant.
Coding change: c.997G>C on transcript NM_006922.4 (MANE Select); coding-DNA position 997, G replaced by C.
Protein change: p.Asp333His; replaces aspartic acid 333 with histidine.
Molecular consequence: missense variant.
Genome position (GRCh38, 1-based): chr2:165,162,342, C>G on the plus strand (G>C on the coding strand, the complement: SCN3A is on the minus strand). VCF-style: chr2-165162342-C-G. GRCh37 (hg19) VCF-style: chr2-166018852-C-G.
Other names: c.997G>C, p.Asp333His (NM_001081676.2, NM_001081677.2); short protein forms D333H.
Identifiers: ClinVar variation 4975328 (VCV004975328.1).